The following is an entry in ClinVar:

NM_020638.3(FGF23):c.316-195C>T

Gene: FGF23 (fibroblast growth factor 23; minus strand). Cytogenetic location: 12p13.32.
Variant type: single nucleotide variant.
Coding change: c.316-195C>T on transcript NM_020638.3 (MANE Select); 195 bases into the intron before coding-DNA position 316, C replaced by T.
Molecular consequence: intron variant.
Genome position (GRCh38, 1-based): chr12:4,370,978, G>A on the plus strand (C>T on the coding strand, the complement: FGF23 is on the minus strand). VCF-style: chr12-4370978-G-A. GRCh37 (hg19) VCF-style: chr12-4480144-G-A.
Identifiers: ClinVar variation 1706877 (VCV001706877.2), dbSNP rs13312791, ClinGen allele CA231758127.

ClinVar aggregate classification (germline): Likely benign (1 of 4 stars; one submission).

Allele frequency attached by ClinVar (database versions not stated): 1000 Genomes Project 30x 0.00437; 1000 Genomes Project 0.00459; TOPMed 0.00616.

Submission:

GeneDx
Classification: Likely benign. Last evaluated: 2018-08-30. Review status: criteria provided, single submitter. Criteria: GeneDx Variant Classification Process June 2021. Collection method: clinical testing. Allele origin: germline. Affected: yes.
Comment: See Variant Classification Assertion Criteria.